The following is an entry in ClinVar:

ClinVar aggregate classification (germline): Uncertain significance (1 of 4 stars; one submission).

gnomAD v4.1: 5 of 1,610,720 alleles (0.00031%); highest among the groups gnomAD compares: Non-Finnish European, 0.00042%; no homozygotes.

Submission:

Labcorp Genetics (formerly Invitae), Labcorp
Classification: Uncertain significance. Last evaluated: 2025-09-14. Review status: criteria provided, single submitter. Criteria: Invitae Variant Classification Sherloc (09022015). Collection method: clinical testing. Allele origin: germline.
Comment: This sequence change replaces proline, which is neutral and non-polar, with serine, which is neutral and polar, at codon 1293 of the RAI1 protein (p.Pro1293Ser). This variant is not present in population databases (gnomAD no frequency). This variant has not been reported in the literature in individuals affected with RAI1-related conditions. Invitae Evidence Modeling of protein sequence and biophysical properties (such as structural, functional, and spatial information, amino acid conservation, physicochemical variation, residue mobility, and thermodynamic stability) indicates that this missense variant is not expected to disrupt RAI1 protein function with a negative predictive value of 80%. In summary, the available evidence is currently insufficient to determine the role of this variant in disease. Therefore, it has been classified as a Variant of Uncertain Significance.

NM_030665.4(RAI1):c.3877C>T (p.Pro1293Ser)

Gene: RAI1 (retinoic acid induced 1; plus strand). Cytogenetic location: 17p11.2.
Variant type: single nucleotide variant.
Coding change: c.3877C>T on transcript NM_030665.4 (MANE Select); coding-DNA position 3877, C replaced by T.
Protein change: p.Pro1293Ser; replaces proline 1293 with serine.
Molecular consequence: missense variant.
Genome position (GRCh38, 1-based): chr17:17,796,825, C>T. VCF-style: chr17-17796825-C-T. GRCh37 (hg19) VCF-style: chr17-17700139-C-T.
Other names: short protein forms P1293S.
Identifiers: ClinVar variation 4741258 (VCV004741258.1).